The following is an entry in ClinVar:

NM_007259.5(VPS45):c.1461del (p.Pro488fs)

Gene: VPS45 (vacuolar protein sorting 45 homolog; plus strand). Cytogenetic location: 1q21.2.
Variant type: Deletion.
Coding change: c.1461del on transcript NM_007259.5 (MANE Select); coding-DNA position 1461, one base deleted (T; older notation c.1461delT).
Protein change: p.Pro488fs; shifts the reading frame from proline 488.
Molecular consequence: frameshift variant. On other transcripts: non-coding transcript variant (1).
Genome position (GRCh38, 1-based): chr1:150,093,616, T deleted. VCF-style (leftmost placement, unchanged base first): chr1-150093615-AT-A. GRCh37 (hg19) VCF-style: chr1-150065711-AT-A.
Other names: c.1146del, p.Pro383fs (NM_001279353.2); c.1353del, p.Pro452fs (NM_001279354.2); short protein forms P452fs, P383fs, P488fs.
Identifiers: ClinVar variation 2019637 (VCV002019637.4), dbSNP rs2526207764, ClinGen allele CA2580060956.

ClinVar aggregate classification (germline): Uncertain significance (1 of 4 stars; one submission).

Conditions:
Congenital neutropenia-myelofibrosis-nephromegaly syndrome. Also called: Severe congenital neutropenia 5, autosomal recessive. Identifiers: Orphanet 369852, MedGen C3809031, MONDO:0014118, OMIM 615285.

Submission:

Labcorp Genetics (formerly Invitae), Labcorp
Classification: Uncertain significance for Congenital neutropenia-myelofibrosis-nephromegaly syndrome. Last evaluated: 2024-02-24. Review status: criteria provided, single submitter. Criteria: Invitae Variant Classification Sherloc (09022015). Collection method: clinical testing. Allele origin: germline.
Comment: This sequence change creates a premature translational stop signal (p.Pro488Leufs*3) in the VPS45 gene. It is expected to result in an absent or disrupted protein product. However, the current clinical and genetic evidence is not sufficient to establish whether loss-of-function variants in VPS45 cause disease. This variant is not present in population databases (gnomAD no frequency). This variant has not been reported in the literature in individuals affected with VPS45-related conditions. ClinVar contains an entry for this variant (Variation ID: 2019637). In summary, the available evidence is currently insufficient to determine the role of this variant in disease. Therefore, it has been classified as a Variant of Uncertain Significance.